The following is an entry in ClinVar:

NM_020708.5(SLC12A5):c.1148C>A (p.Thr383Asn)

Gene: SLC12A5 (solute carrier family 12 member 5; plus strand). Cytogenetic location: 20q13.12.
Variant type: single nucleotide variant.
Coding change: c.1148C>A on transcript NM_020708.5 (MANE Select); coding-DNA position 1148, C replaced by A.
Protein change: p.Thr383Asn; replaces threonine 383 with asparagine.
Molecular consequence: missense variant.
Genome position (GRCh38, 1-based): chr20:46,043,234, C>A. VCF-style: chr20-46043234-C-A. GRCh37 (hg19) VCF-style: chr20-44671873-C-A.
Other names: c.1217C>A, p.Thr406Asn (NM_001134771.2); short protein forms T383N, T406N.
Identifiers: ClinVar variation 1388587 (VCV001388587.6), dbSNP rs201727005, ClinGen allele CA409191865.

ClinVar aggregate classification (germline): Uncertain significance (1 of 4 stars; one submission).

Conditions:
Developmental and epileptic encephalopathy, 34 (DEE34). Also called: Early infantile epileptic encephalopathy 34; SLC12A5-Related Epilepsy of Infancy with Migrating Focal Seizures. Identifiers: Orphanet 293181, MedGen C4225257, MONDO:0014718, OMIM 616645.

Submission:

Labcorp Genetics (formerly Invitae), Labcorp
Classification: Uncertain significance for Developmental and epileptic encephalopathy, 34. Last evaluated: 2022-06-05. Review status: criteria provided, single submitter. Criteria: Invitae Variant Classification Sherloc (09022015). Collection method: clinical testing. Allele origin: germline.
Comment: This sequence change replaces threonine, which is neutral and polar, with asparagine, which is neutral and polar, at codon 383 of the SLC12A5 protein (p.Thr383Asn). This variant is not present in population databases (gnomAD no frequency). This variant has not been reported in the literature in individuals affected with SLC12A5-related conditions. ClinVar contains an entry for this variant (Variation ID: 1388587). Advanced modeling of protein sequence and biophysical properties (such as structural, functional, and spatial information, amino acid conservation, physicochemical variation, residue mobility, and thermodynamic stability) performed at Invitae indicates that this missense variant is not expected to disrupt SLC12A5 protein function. In summary, the available evidence is currently insufficient to determine the role of this variant in disease. Therefore, it has been classified as a Variant of Uncertain Significance.